The following is an entry in ClinVar:

ClinVar aggregate classification (germline): Benign/Likely benign. Review status: criteria provided, multiple submitters, no conflicts (2 of 4 stars). 3 submissions from 3 submitters: Benign (1); Likely benign (2). Last evaluated 2024-12-31.

Conditions:
Hereditary nonpolyposis colorectal neoplasms. Identifiers: MedGen C0009405, MeSH D003123.
Hereditary cancer-predisposing syndrome. Also called: Neoplastic Syndromes, Hereditary; Tumor predisposition; Hereditary Cancer Syndrome; Hereditary neoplastic syndrome. Identifiers: Orphanet 140162, MedGen C0027672, MeSH D009386, MONDO:0015356.
Lynch syndrome 5 (LYNCH5). Also called: Colorectal cancer, hereditary nonpolyposis, type 5; Hereditary non-polyposis colorectal cancer, type 5. Identifiers: Orphanet 144, MedGen C1833477, MONDO:0013710, OMIM 614350. Disease mechanism: loss of function.

gnomAD v4.1: 1 of 1,614,160 alleles (0.000062%); highest among the groups gnomAD compares: South Asian, 0.0011%; no homozygotes.

Submissions (3):

Myriad Genetics, Inc.
Classification: Benign for Lynch syndrome 5. Last evaluated: 2024-12-31. Review status: criteria provided, single submitter. Criteria: Myriad Autosomal Dominant, Autosomal Recessive and X-Linked Classification Criteria (2023). Collection method: clinical testing. Allele origin: unknown.
Comment: This variant is considered benign. This variant is a silent/synonymous amino acid change and it is not expected to impact splicing.

Labcorp Genetics (formerly Invitae), Labcorp
Classification: Likely benign for Hereditary nonpolyposis colorectal neoplasms. Last evaluated: 2024-11-09. Review status: criteria provided, single submitter. Criteria: Invitae Variant Classification Sherloc (09022015). Collection method: clinical testing. Allele origin: germline.

Ambry Genetics
Classification: Likely benign for Hereditary cancer-predisposing syndrome. Last evaluated: 2014-10-22. Review status: criteria provided, single submitter. Criteria: Ambry Variant Classification Scheme 2023. Collection method: clinical testing. Allele origin: germline.

NM_000179.3(MSH6):c.2677C>T (p.Leu893=)

Gene: MSH6 (mutS homolog 6; plus strand). Cytogenetic location: 2p16.3.
Variant type: single nucleotide variant.
Coding change: c.2677C>T on transcript NM_000179.3 (MANE Select); coding-DNA position 2677, C replaced by T.
Protein change: p.Leu893=; no amino-acid change (leucine 893 retained).
Molecular consequence: synonymous variant.
Genome position (GRCh38, 1-based): chr2:47,800,660, C>T. VCF-style: chr2-47800660-C-T. GRCh37 (hg19) VCF-style: chr2-48027799-C-T.
Other names: c.2287C>T, p.Leu763= (NM_001281492.2); c.1771C>T, p.Leu591= (NM_001281493.2, NM_001281494.2).
Identifiers: ClinVar variation 186675 (VCV000186675.8), dbSNP rs370754319, ClinGen allele CA010746.